The following is an entry in ClinVar:

ClinVar aggregate classification (germline): Uncertain significance. Review status: criteria provided, multiple submitters, no conflicts (2 of 4 stars). 3 submissions from 3 submitters: Uncertain significance (2). 1 of the submissions does not count toward it. Last evaluated 2026-09-11.

Conditions:
Neurofibromatosis, type 1 (NF1). Also called: NEUROFIBROMATOSIS, TYPE I, SOMATIC; Peripheral type neurofibromatosis; VON RECKLINGHAUSEN DISEASE; Neurofibromatosis, type I. Identifiers: Orphanet 636, MedGen C0027831, MONDO:0018975, OMIM 162200. Disease mechanism: loss of function.
NF1-related disorder. Also called: NF1-related condition. Identifiers: MedGen CN379171.
Cardiovascular phenotype. Identifiers: MedGen CN230736.
Hereditary cancer-predisposing syndrome. Also called: Hereditary Cancer Syndrome; Tumor predisposition; Neoplastic Syndromes, Hereditary; Hereditary neoplastic syndrome. Identifiers: Orphanet 140162, MedGen C0027672, MeSH D009386, MONDO:0015356.

Submissions (3):

Ambry Genetics
Classification: Uncertain significance for Cardiovascular phenotype; Hereditary cancer-predisposing syndrome. Last evaluated: 2026-09-11. Review status: criteria provided, single submitter. Criteria: Ambry Variant Classification Scheme 2023. Collection method: clinical testing. Allele origin: germline.
Comment: The p.E291K variant (also known as c.871G>A), located in coding exon 8 of the NF1 gene, results from a G to A substitution at nucleotide position 871. The glutamic acid at codon 291 is replaced by lysine, an amino acid with similar properties. This amino acid position is highly conserved in available vertebrate species. In addition, this alteration is predicted to be deleterious by in silico analysis. Based on the available evidence, the clinical significance of this variant remains unclear.

Labcorp Genetics (formerly Invitae), Labcorp
Classification: Uncertain significance for Neurofibromatosis, type 1. Last evaluated: 2025-12-09. Review status: criteria provided, single submitter. Criteria: Invitae Variant Classification Sherloc (09022015). Collection method: clinical testing. Allele origin: germline.
Comment: This sequence change replaces glutamic acid, which is acidic and polar, with lysine, which is basic and polar, at codon 291 of the NF1 protein (p.Glu291Lys). This variant is not present in population databases (gnomAD no frequency). This variant has not been reported in the literature in individuals affected with NF1-related conditions. ClinVar contains an entry for this variant (Variation ID: 1481558). Invitae Evidence Modeling of protein sequence and biophysical properties (such as structural, functional, and spatial information, amino acid conservation, physicochemical variation, residue mobility, and thermodynamic stability) indicates that this missense variant is not expected to disrupt NF1 protein function with a negative predictive value of 95%. In summary, the available evidence is currently insufficient to determine the role of this variant in disease. Therefore, it has been classified as a Variant of Uncertain Significance.

PreventionGenetics, part of Exact Sciences
Classification: Uncertain significance for NF1-related condition. Last evaluated: 2023-12-21. Review status: no assertion criteria provided. Collection method: clinical testing. Allele origin: germline. Not counted in ClinVar's aggregate classification.
Comment: The NF1 c.871G>A variant is predicted to result in the amino acid substitution p.Glu291Lys. To our knowledge, this variant has not been reported in the literature or in a large population database, indicating this variant is rare. At this time, the clinical significance of this variant is uncertain due to the absence of conclusive functional and genetic evidence.

NM_001042492.3(NF1):c.871G>A (p.Glu291Lys)

Gene: NF1 (neurofibromin 1; plus strand). Cytogenetic location: 17q11.2.
Variant type: single nucleotide variant.
Coding change: c.871G>A on transcript NM_001042492.3 (MANE Select); coding-DNA position 871, G replaced by A.
Protein change: p.Glu291Lys; replaces glutamic acid 291 with lysine.
Molecular consequence: missense variant.
Genome position (GRCh38, 1-based): chr17:31,182,648, G>A. VCF-style: chr17-31182648-G-A. GRCh37 (hg19) VCF-style: chr17-29509666-G-A.
Other names: c.871G>A, p.Glu291Lys (NM_000267.4, NM_001128147.3); short protein forms E291K.
Identifiers: ClinVar variation 1481558 (VCV001481558.9), dbSNP rs2143786875, ClinGen allele CA398991219.